The following is an entry in ClinVar:

ClinVar aggregate classification (germline): Likely benign. Review status: criteria provided, multiple submitters, no conflicts (2 of 4 stars). 3 submissions from 3 submitters: Likely benign (3). Last evaluated 2025-12-20.

Conditions:
Hereditary diffuse gastric adenocarcinoma (HDGC). Also called: DIFFUSE GASTRIC AND LOBULAR BREAST CANCER SYNDROME. Identifiers: Orphanet 26106, MedGen C1708349, MONDO:0007648, OMIM 137215.

gnomAD v4.1: 2 of 1,613,644 alleles (0.00012%); highest among the groups gnomAD compares: Non-Finnish European, 0.000085%; no homozygotes.

Submissions (3):

Labcorp Genetics (formerly Invitae), Labcorp
Classification: Likely benign for Hereditary diffuse gastric adenocarcinoma. Last evaluated: 2025-12-20. Review status: criteria provided, single submitter. Criteria: Invitae Variant Classification Sherloc (09022015). Collection method: clinical testing. Allele origin: germline.

Center for Genomic Medicine, Rigshospitalet, Copenhagen University Hospital
Classification: Likely benign. Last evaluated: 2025-03-04. Review status: criteria provided, single submitter. Criteria: ACMG Guidelines, 2015. Collection method: clinical testing. Allele origin: germline.

GeneDx
Classification: Likely benign. Last evaluated: 2016-11-01. Review status: criteria provided, single submitter. Criteria: GeneDx Variant Classification (06012015). Collection method: clinical testing. Allele origin: germline. Affected: yes.
Comment: This variant is considered likely benign or benign based on one or more of the following criteria: it is a conservative change, it occurs at a poorly conserved position in the protein, it is predicted to be benign by multiple in silico algorithms, and/or has population frequency not consistent with disease.

NM_004360.5(CDH1):c.1137+20G>C

Gene: CDH1 (cadherin 1; plus strand). Cytogenetic location: 16q22.1.
Variant type: single nucleotide variant.
Coding change: c.1137+20G>C on transcript NM_004360.5 (MANE Select); 20 bases into the intron after coding-DNA position 1137, G replaced by C.
Molecular consequence: intron variant.
Genome position (GRCh38, 1-based): chr16:68,812,283, G>C. VCF-style: chr16-68812283-G-C. GRCh37 (hg19) VCF-style: chr16-68846186-G-C.
Other names: c.1137+20G>C (LRG_301t1, NM_001317184.2); c.-479+20G>C (NM_001317185.2); c.-683+20G>C (NM_001317186.2).
Identifiers: ClinVar variation 377640 (VCV000377640.8), dbSNP rs34210985, ClinGen allele CA16607055.